The following is an entry in ClinVar:

NM_024529.5(CDC73):c.358C>T (p.Arg120Ter)

Gene: CDC73 (cell division cycle 73; plus strand). Cytogenetic location: 1q31.2.
Variant type: single nucleotide variant.
Coding change: c.358C>T on transcript NM_024529.5 (MANE Select); coding-DNA position 358, C replaced by T.
Protein change: p.Arg120Ter; replaces arginine 120 with a stop codon.
Molecular consequence: nonsense.
Genome position (GRCh38, 1-based): chr1:193,135,441, C>T. VCF-style: chr1-193135441-C-T. GRCh37 (hg19) VCF-style: chr1-193104571-C-T.
Other names: short protein forms R120*.
Identifiers: ClinVar variation 642112 (VCV000642112.13), dbSNP rs1572150469, ClinGen allele CA343960494.

ClinVar aggregate classification (germline): Pathogenic. Review status: criteria provided, multiple submitters, no conflicts (2 of 4 stars). 4 submissions from 4 submitters: Pathogenic (3). 1 of the submissions does not count toward it. Last evaluated 2025-12-29.

Conditions:
Hereditary cancer-predisposing syndrome. Also called: Hereditary Cancer Syndrome; Neoplastic Syndromes, Hereditary; Hereditary neoplastic syndrome; Tumor predisposition. Identifiers: Orphanet 140162, MedGen C0027672, MeSH D009386, MONDO:0015356.
Familial hyperparathyroidism or Hypocalciuric hypercalcaemia.
Parathyroid carcinoma (PRTC). Also called: CDC73-Related Parathyroid Carcinoma; Parathyroid gland carcinoma. Identifiers: Orphanet 143, MedGen C0687150, MONDO:0012004, OMIM 608266, HP:0006780.

Allele frequency attached by ClinVar (database versions not stated): TOPMed below 0.00001; gnomAD exomes below 0.00001.
gnomAD v4.1: 1 of 1,613,128 alleles (0.000062%); no homozygotes.

Submissions (4):

Center for Genomic Medicine, Rigshospitalet, Copenhagen University Hospital
Classification: Pathogenic. Last evaluated: 2025-12-29. Review status: criteria provided, single submitter. Criteria: ACMG Guidelines, 2015. Collection method: clinical testing. Allele origin: germline.

Labcorp Genetics (formerly Invitae), Labcorp
Classification: Pathogenic for Parathyroid carcinoma. Last evaluated: 2025-07-16. Review status: criteria provided, single submitter. Criteria: Invitae Variant Classification Sherloc (09022015). Collection method: clinical testing. Allele origin: germline.
Comment: This sequence change creates a premature translational stop signal (p.Arg120*) in the CDC73 gene. It is expected to result in an absent or disrupted protein product. Loss-of-function variants in CDC73 are known to be pathogenic (PMID: 12434154). This variant is not present in population databases (gnomAD no frequency). This premature translational stop signal has been observed in individual(s) with hyperparathyroidism-jaw tumor syndrome and isolated hyperparathyroidism (PMID: 27679651, 29040582). ClinVar contains an entry for this variant (Variation ID: 642112). For these reasons, this variant has been classified as Pathogenic.

Ambry Genetics
Classification: Pathogenic for Hereditary cancer-predisposing syndrome. Last evaluated: 2021-11-29. Review status: criteria provided, single submitter. Criteria: Ambry Variant Classification Scheme 2023. Collection method: clinical testing. Allele origin: germline.
Comment: The p.R120* pathogenic mutation (also known as c.358C>T), located in coding exon 4 of the CDC73 gene, results from a C to T substitution at nucleotide position 358. This changes the amino acid from an arginine to a stop codon within coding exon 4. This alteration was identified in an individual diagnosed with a jaw tumor and parathyroid carcinoma (Mele M et al. Int J Endocrinol Metab, 2016 Apr;14:e35424). Additionally, this alteration was identified in an individual diagnosed with acute myeloid leukemia (Byrjalsen A et al. PLoS Genet, 2020 12;16:e1009231). This variant is considered to be rare based on population cohorts in the Genome Aggregation Database (gnomAD). This alteration is expected to result in loss of function by premature protein truncation or nonsense-mediated mRNA decay. As such, this alteration is interpreted as a disease-causing mutation.

Exeter Genomics Laboratory, Royal Devon University Healthcare NHS Foundation Trust
Classification: Pathogenic for Familial hyperparathyroidism or Hypocalciuric hypercalcaemia. Last evaluated: 2025-06-20. Review status: no assertion criteria provided. Collection method: clinical testing. Allele origin: germline. Affected: yes. Not counted in ClinVar's aggregate classification.

Literature cited by the submitters: PubMed 27679651 (cited by 3 submitters); PubMed 29040582 (cited by 3 submitters); PubMed 12434154 (cited by Labcorp Genetics (formerly Invitae), Labcorp); PubMed 33332384 (cited by Ambry Genetics).